The following is an entry in ClinVar:

ClinVar aggregate classification (germline): Uncertain significance. Review status: criteria provided, multiple submitters, no conflicts (2 of 4 stars). 2 submissions from 2 submitters: Uncertain significance (2). Last evaluated 2023-05-17.

Conditions:
KAT6A-related disorder. Also called: KAT6A-related condition.

gnomAD v4.1: 1 of 1,614,232 alleles (0.000062%); no homozygotes.

Submissions (2):

PreventionGenetics, part of Exact Sciences
Classification: Uncertain significance for KAT6A-related condition. Last evaluated: 2023-05-17. Review status: criteria provided, single submitter. Criteria: ACMG Guidelines, 2015. Collection method: clinical testing. Allele origin: germline.
Comment: The KAT6A c.3485A>T variant is predicted to result in the amino acid substitution p.His1162Leu. To our knowledge, this variant has not been reported in the literature or in a large population database, indicating this variant is rare. At this time, the clinical significance of this variant is uncertain due to the absence of conclusive functional and genetic evidence.

CeGaT Center for Human Genetics Tuebingen
Classification: Uncertain significance. Last evaluated: 2020-07-01. Review status: criteria provided, single submitter. Criteria: CeGaT Center For Human Genetics Tuebingen Variant Classification Criteria Version 2. Collection method: clinical testing. Allele origin: germline. Affected: yes. Observed: 1 variant allele.

NM_006766.5(KAT6A):c.3485A>T (p.His1162Leu)

Gene: KAT6A (lysine acetyltransferase 6A; minus strand). Cytogenetic location: 8p11.21.
Variant type: single nucleotide variant.
Coding change: c.3485A>T on transcript NM_006766.5 (MANE Select); coding-DNA position 3485, A replaced by T.
Protein change: p.His1162Leu; replaces histidine 1162 with leucine.
Molecular consequence: missense variant.
Genome position (GRCh38, 1-based): chr8:41,934,735, T>A on the plus strand (A>T on the coding strand, the complement: KAT6A is on the minus strand). VCF-style: chr8-41934735-T-A. GRCh37 (hg19) VCF-style: chr8-41792253-T-A.
Other names: c.3485A>T (NM_006766.4); short protein forms H1162L.
Identifiers: ClinVar variation 1013578 (VCV001013578.38), dbSNP rs1821764895, ClinGen allele CA371069047.